The following is an entry in ClinVar:

ClinVar aggregate classification (germline): Uncertain significance (1 of 4 stars; one submission).

gnomAD v4.1: 18 of 1,614,036 alleles (0.0011%); highest among the groups gnomAD compares: African/African-American, 0.024%; no homozygotes.

Submission:

GeneDx
Classification: Uncertain significance. Last evaluated: 2025-01-02. Review status: criteria provided, single submitter. Criteria: GeneDx Variant Classification Process June 2021. Collection method: clinical testing. Allele origin: germline. Affected: yes.
Comment: In silico analysis indicates that this missense variant does not alter protein structure/function; Has not been previously published as pathogenic or benign to our knowledge

NM_015046.7(SETX):c.3212T>C (p.Phe1071Ser)

Gene: SETX (senataxin; minus strand). Cytogenetic location: 9q34.13.
Variant type: single nucleotide variant.
Coding change: c.3212T>C on transcript NM_015046.7 (MANE Select); coding-DNA position 3212, T replaced by C.
Protein change: p.Phe1071Ser; replaces phenylalanine 1071 with serine.
Molecular consequence: missense variant.
Genome position (GRCh38, 1-based): chr9:132,328,386, A>G on the plus strand (T>C on the coding strand, the complement: SETX is on the minus strand). VCF-style: chr9-132328386-A-G. GRCh37 (hg19) VCF-style: chr9-135203773-A-G.
Other names: c.3212T>C, p.Phe1071Ser (NM_001351527.2, NM_001351528.2); short protein forms F1071S.
Identifiers: ClinVar variation 4056003 (VCV004056003.1).